The following is an entry in ClinVar:

NM_001292063.2(OTOG):c.1148A>G (p.Tyr383Cys)

Gene: OTOG (otogelin; plus strand). Cytogenetic location: 11p15.1.
Variant type: single nucleotide variant.
Coding change: c.1148A>G on transcript NM_001292063.2 (MANE Select); coding-DNA position 1148, A replaced by G.
Protein change: p.Tyr383Cys; replaces tyrosine 383 with cysteine.
Molecular consequence: missense variant.
Genome position (GRCh38, 1-based): chr11:17,559,096, A>G. VCF-style: chr11-17559096-A-G. GRCh37 (hg19) VCF-style: chr11-17580643-A-G.
Other names: c.1184A>G, p.Tyr395Cys (NM_001277269.2); short protein forms Y383C, Y395C.
Identifiers: ClinVar variation 1033812 (VCV001033812.3), dbSNP rs1007369140, ClinGen allele CA218495959.
Genomic context (GRCh38, chr11:17,559,096, plus strand): 5'-TGGTTTCTCTGCACAGATCAATGGGTGATGTAGCCACCTGGTGCCGGGCACTGGCGGAGT[A>G]TGCCCGGGCGTGTGCCCAGGCAGGGCGGCCCTTGCAAGGCTGGAGGACCCAGCTCCGGCA-3'
Protein context (NP_001278992.1, residues 373-393): VATWCRALAE[Tyr383Cys]ARACAQAGRP

ClinVar aggregate classification (germline): Uncertain significance. Review status: criteria provided, multiple submitters, no conflicts (2 of 4 stars). 2 submissions from 2 submitters: Uncertain significance (2). Last evaluated 2025-01-08.

Conditions:
Autosomal recessive nonsyndromic hearing loss 18B. Also called: Deafness, autosomal recessive 18b. Identifiers: Orphanet 90636, MedGen C3554163, MONDO:0013985, OMIM 614945.

Allele frequency attached by ClinVar (database versions not stated): TOPMed 0.00003; gnomAD exomes 0.00001 and 0.00006; gnomAD 0.00001.
gnomAD v4.1: 15 of 1,546,412 alleles (0.00097%); highest among the groups gnomAD compares: Admixed American, 0.025%; no homozygotes.

Submissions (2):

GeneDx
Classification: Uncertain significance. Last evaluated: 2025-01-08. Review status: criteria provided, single submitter. Criteria: GeneDx Variant Classification Process June 2021. Collection method: clinical testing. Allele origin: germline.
Comment: In silico analysis supports that this missense variant has a deleterious effect on protein structure/function; Has not been previously published as pathogenic or benign to our knowledge

Baylor Genetics
Classification: Uncertain significance for Autosomal recessive nonsyndromic hearing loss 18B. Last evaluated: 2018-01-01. Review status: criteria provided, single submitter. Criteria: ACMG Guidelines, 2015. Collection method: clinical testing. Allele origin: paternal. Affected: yes.
Comment: This variant was determined to be of uncertain significance according to ACMG Guidelines, 2015 [PMID:25741868].